The following is an entry in ClinVar:

ClinVar aggregate classification (germline): Uncertain significance (1 of 4 stars; one submission).

Conditions:
KBG syndrome (KBGS). Also called: ANKRD11-Related KBG Syndrome. Identifiers: Orphanet 2332, MedGen C0220687, MONDO:0007846, OMIM 148050.

Allele frequency attached by ClinVar (database versions not stated): gnomAD 0.00001 and 0.00002; TOPMed 0.00001.
gnomAD v4.1: 30 of 1,614,210 alleles (0.0019%); highest among the groups gnomAD compares: Middle Eastern, 0.017%; no homozygotes.

Submission:

Labcorp Genetics (formerly Invitae), Labcorp
Classification: Uncertain significance for KBG syndrome. Last evaluated: 2025-04-19. Review status: criteria provided, single submitter. Criteria: Invitae Variant Classification Sherloc (09022015). Collection method: clinical testing. Allele origin: germline.
Comment: This sequence change replaces glutamic acid, which is acidic and polar, with aspartic acid, which is acidic and polar, at codon 1314 of the ANKRD11 protein (p.Glu1314Asp). This variant is present in population databases (rs767698081, gnomAD 0.01%). This variant has not been reported in the literature in individuals affected with ANKRD11-related conditions. ClinVar contains an entry for this variant (Variation ID: 943334). Invitae Evidence Modeling of protein sequence and biophysical properties (such as structural, functional, and spatial information, amino acid conservation, physicochemical variation, residue mobility, and thermodynamic stability) indicates that this missense variant is not expected to disrupt ANKRD11 protein function with a negative predictive value of 95%. In summary, the available evidence is currently insufficient to determine the role of this variant in disease. Therefore, it has been classified as a Variant of Uncertain Significance.

NM_013275.6(ANKRD11):c.3942G>T (p.Glu1314Asp)

Gene: ANKRD11 (ankyrin repeat domain 11; minus strand). Cytogenetic location: 16q24.3.
Variant type: single nucleotide variant.
Coding change: c.3942G>T on transcript NM_013275.6 (MANE Select); coding-DNA position 3942, G replaced by T.
Protein change: p.Glu1314Asp; replaces glutamic acid 1314 with aspartic acid.
Molecular consequence: missense variant.
Genome position (GRCh38, 1-based): chr16:89,282,600, C>A on the plus strand (G>T on the coding strand, the complement: ANKRD11 is on the minus strand). VCF-style: chr16-89282600-C-A. GRCh37 (hg19) VCF-style: chr16-89349008-C-A.
Other names: c.3942G>T, p.Glu1314Asp (NM_001256182.2, NM_001256183.2); short protein forms E1314D.
Identifiers: ClinVar variation 943334 (VCV000943334.5), dbSNP rs767698081, ClinGen allele CA8242253.